The following is an entry in ClinVar:

ClinVar aggregate classification (germline): Uncertain significance (1 of 4 stars; one submission).

Allele frequency attached by ClinVar (database versions not stated): gnomAD exomes below 0.00001; gnomAD 0.00001; TOPMed 0.00001.
gnomAD v4.1: 2 of 1,209,772 alleles (0.00017%); highest among the groups gnomAD compares: African/African-American, 0.0035%; no homozygotes.

Submission:

GeneDx
Classification: Uncertain significance. Last evaluated: 2022-06-27. Review status: criteria provided, single submitter. Criteria: GeneDx Variant Classification Process June 2021. Collection method: clinical testing. Allele origin: germline. Affected: yes.
Comment: Not observed at significant frequency in large population cohorts (gnomAD); In silico analysis supports that this missense variant does not alter protein structure/function; Has not been previously published as pathogenic or benign to our knowledge

NM_001368397.1(FRMPD4):c.3293A>G (p.Glu1098Gly)

Gene: FRMPD4 (FERM and PDZ domain containing 4; plus strand). Cytogenetic location: Xp22.2.
Variant type: single nucleotide variant.
Coding change: c.3293A>G on transcript NM_001368397.1 (MANE Select); coding-DNA position 3293, A replaced by G.
Protein change: p.Glu1098Gly; replaces glutamic acid 1098 with glycine.
Molecular consequence: missense variant.
Genome position (GRCh38, 1-based): chrX:12,718,119, A>G. VCF-style: chrX-12718119-A-G. GRCh37 (hg19) VCF-style: chrX-12736238-A-G.
Other names: c.3404A>G, p.Glu1135Gly (NM_001368395.3, NM_001368398.3); c.3299A>G, p.Glu1100Gly (NM_001368396.3); c.3284A>G, p.Glu1095Gly (NM_001368399.3); c.3173A>G, p.Glu1058Gly (NM_001368400.3); c.3269A>G, p.Glu1090Gly (NM_001368401.1, NM_001368402.3); c.3293A>G, p.Glu1098Gly (NM_014728.3); short protein forms E1058G, E1090G, E1095G, E1098G, E1100G, E1135G.
Identifiers: ClinVar variation 1809880 (VCV001809880.1), dbSNP rs996196792, ClinGen allele CA326084122.